The following is an entry in ClinVar:

ClinVar aggregate classification (germline): Uncertain significance (1 of 4 stars; one submission).

gnomAD v4.1: 3 of 1,524,732 alleles (0.0002%); highest among the groups gnomAD compares: Non-Finnish European, 0.00026%; no homozygotes.

Submission:

Labcorp Genetics (formerly Invitae), Labcorp
Classification: Uncertain significance. Last evaluated: 2024-09-28. Review status: criteria provided, single submitter. Criteria: Invitae Variant Classification Sherloc (09022015). Collection method: clinical testing. Allele origin: germline.
Comment: This sequence change replaces alanine, which is neutral and non-polar, with serine, which is neutral and polar, at codon 202 of the KSR2 protein (p.Ala202Ser). This variant is not present in population databases (gnomAD no frequency). This variant has not been reported in the literature in individuals affected with KSR2-related conditions. An algorithm developed to predict the effect of missense changes on protein structure and function (PolyPhen-2) suggests that this variant is likely to be tolerated. In summary, the available evidence is currently insufficient to determine the role of this variant in disease. Therefore, it has been classified as a Variant of Uncertain Significance.

NM_173598.6(KSR2):c.691G>T (p.Ala231Ser)

Gene: KSR2 (kinase suppressor of ras 2; minus strand). Cytogenetic location: 12q24.23.
Variant type: single nucleotide variant.
Coding change: c.691G>T on transcript NM_173598.6 (MANE Select); coding-DNA position 691, G replaced by T.
Protein change: p.Ala231Ser; replaces alanine 231 with serine.
Molecular consequence: missense variant.
Genome position (GRCh38, 1-based): chr12:117,761,306, C>A on the plus strand (G>T on the coding strand, the complement: KSR2 is on the minus strand). VCF-style: chr12-117761306-C-A. GRCh37 (hg19) VCF-style: chr12-118199111-C-A.
Other names: short protein forms A231S.
Identifiers: ClinVar variation 3613928 (VCV003613928.2).